The following is an entry in ClinVar:

NM_000059.4(BRCA2):c.7075A>G (p.Lys2359Glu)

Gene: BRCA2 (BRCA2 DNA repair associated; plus strand). Cytogenetic location: 13q13.1.
Variant type: single nucleotide variant.
Coding change: c.7075A>G on transcript NM_000059.4 (MANE Select); coding-DNA position 7075, A replaced by G.
Protein change: p.Lys2359Glu; replaces lysine 2359 with glutamic acid.
Molecular consequence: missense variant.
Genome position (GRCh38, 1-based): chr13:32,354,928, A>G. VCF-style: chr13-32354928-A-G. GRCh37 (hg19) VCF-style: chr13-32929065-A-G.
Other names: c.6979A>G, p.Lys2327Glu (NM_001406719.1); c.7075A>G, p.Lys2359Glu (NM_001406720.1); c.2143A>G, p.Lys715Glu (NM_001406721.1); c.658A>G, p.Lys220Glu (NM_001406722.1); short protein forms K220E, K2327E, K2359E, K715E.
Identifiers: ClinVar variation 2012036 (VCV002012036.5), dbSNP rs2137555713, ClinGen allele CA387738421.
Genomic context (GRCh38, chr13:32,354,928, plus strand): 5'-AAGGAACGTCAAGAGATACAGAATCCAAATTTTACCGCACCTGGTCAAGAATTTCTGTCT[A>G]AATCTCATTTGTATGAACATCTGACTTTGGAAAAATCTTCAAGCAATTTAGCAGTTTCAG-3'
Protein context (NP_000050.3, residues 2349-2369): FTAPGQEFLS[Lys2359Glu]SHLYEHLTLE

ClinVar aggregate classification (germline): Uncertain significance. Review status: criteria provided, multiple submitters, no conflicts (2 of 4 stars). 2 submissions from 2 submitters: Uncertain significance (2). Last evaluated 2024-04-19.

Conditions:
Hereditary breast ovarian cancer syndrome. Also called: Hereditary breast and ovarian cancer syndrome (HBOC); Hereditary breast and ovarian cancer syndrome; Hereditary breast and ovarian cancer; Breast and ovarian cancer; BRCA1- and BRCA2-Associated Hereditary Breast and Ovarian Cancer; Hereditary breast and/or ovarian cancer syndrome. Identifiers: Orphanet 145, MedGen C0677776, MeSH D061325, MONDO:0003582. Disease mechanism: loss of function.
Hereditary cancer-predisposing syndrome. Also called: Tumor predisposition; Neoplastic Syndromes, Hereditary; Hereditary Cancer Syndrome; Hereditary neoplastic syndrome. Identifiers: Orphanet 140162, MedGen C0027672, MeSH D009386, MONDO:0015356.

Submissions (2):

Ambry Genetics
Classification: Uncertain significance for Hereditary cancer-predisposing syndrome. Last evaluated: 2024-04-19. Review status: criteria provided, single submitter. Criteria: Ambry Variant Classification Scheme 2023. Collection method: clinical testing. Allele origin: germline.
Comment: The p.K2359E variant (also known as c.7075A>G), located in coding exon 13 of the BRCA2 gene, results from an A to G substitution at nucleotide position 7075. The lysine at codon 2359 is replaced by glutamic acid, an amino acid with similar properties. This amino acid position is conserved. In addition, the in silico prediction for this alteration is inconclusive. Based on the available evidence, the clinical significance of this variant remains unclear.

Labcorp Genetics (formerly Invitae), Labcorp
Classification: Uncertain significance for Hereditary breast ovarian cancer syndrome. Last evaluated: 2024-02-03. Review status: criteria provided, single submitter. Criteria: Invitae Variant Classification Sherloc (09022015). Collection method: clinical testing. Allele origin: germline.
Comment: This sequence change replaces lysine, which is basic and polar, with glutamic acid, which is acidic and polar, at codon 2359 of the BRCA2 protein (p.Lys2359Glu). This variant is not present in population databases (gnomAD no frequency). This variant has not been reported in the literature in individuals affected with BRCA2-related conditions. ClinVar contains an entry for this variant (Variation ID: 2012036). Advanced modeling of protein sequence and biophysical properties (such as structural, functional, and spatial information, amino acid conservation, physicochemical variation, residue mobility, and thermodynamic stability) performed at Invitae indicates that this missense variant is not expected to disrupt BRCA2 protein function with a negative predictive value of 95%. In summary, the available evidence is currently insufficient to determine the role of this variant in disease. Therefore, it has been classified as a Variant of Uncertain Significance.